The following is an entry in ClinVar:

NM_000807.4(GABRA2):c.62A>G (p.Asp21Gly)

Gene: GABRA2 (gamma-aminobutyric acid type A receptor subunit alpha2; minus strand). Cytogenetic location: 4p12.
Variant type: single nucleotide variant.
Coding change: c.62A>G on transcript NM_000807.4 (MANE Select); coding-DNA position 62, A replaced by G.
Protein change: p.Asp21Gly; replaces aspartic acid 21 with glycine.
Molecular consequence: missense variant. On other transcripts: 5 prime UTR variant (4).
Genome position (GRCh38, 1-based): chr4:46,388,645, T>C on the plus strand (A>G on the coding strand, the complement: GABRA2 is on the minus strand). VCF-style: chr4-46388645-T-C. GRCh37 (hg19) VCF-style: chr4-46390662-T-C.
Other names: c.62A>G, p.Asp21Gly (NM_001114175.3, NM_001330690.2, NM_001377144.1 and 8 more transcripts); c.-36A>G (NM_001286827.3, NM_001377152.1, NM_001377153.1 and 1 more transcripts); short protein forms D21G.
Identifiers: ClinVar variation 2171059 (VCV002171059.4), dbSNP rs1362236526, ClinGen allele CA356803356.

ClinVar aggregate classification (germline): Uncertain significance (1 of 4 stars; one submission).

Allele frequency attached by ClinVar (database versions not stated): gnomAD exomes below 0.00001; TOPMed 0.00002.
gnomAD v4.1: 1 of 1,613,878 alleles (0.000062%); highest among the groups gnomAD compares: African/African-American, 0.0013%; no homozygotes.

Submission:

Labcorp Genetics (formerly Invitae), Labcorp
Classification: Uncertain significance. Last evaluated: 2023-03-09. Review status: criteria provided, single submitter. Criteria: Invitae Variant Classification Sherloc (09022015). Collection method: clinical testing. Allele origin: germline.
Comment: In summary, the available evidence is currently insufficient to determine the role of this variant in disease. Therefore, it has been classified as a Variant of Uncertain Significance. An algorithm developed to predict the effect of missense changes on protein structure and function (PolyPhen-2) suggests that this variant is likely to be tolerated. ClinVar contains an entry for this variant (Variation ID: 2171059). This variant has not been reported in the literature in individuals affected with GABRA2-related conditions. This variant is not present in population databases (gnomAD no frequency). This sequence change replaces aspartic acid, which is acidic and polar, with glycine, which is neutral and non-polar, at codon 21 of the GABRA2 protein (p.Asp21Gly).